The following is an entry in ClinVar:

ClinVar aggregate classification (germline): Likely benign (1 of 4 stars; one submission).

Conditions:
UROS-related disorder. Also called: UROS-related condition.

gnomAD v4.1: 139 of 1,236,170 alleles (0.011%); highest among the groups gnomAD compares: South Asian, 0.19%; 1 homozygote.

Submission:

PreventionGenetics, part of Exact Sciences
Classification: Likely benign for UROS-related condition. Last evaluated: 2025-05-28. Review status: criteria provided, single submitter. Criteria: ACMG Guidelines, 2015. Collection method: clinical testing. Allele origin: germline.
Comment: This variant is classified as likely benign based on ACMG/AMP sequence variant interpretation guidelines (Richards et al. 2015 PMID: 25741868, with internal and published modifications).

NM_000375.3(UROS):c.661-340C>G

Gene: UROS (uroporphyrinogen III synthase; minus strand). Cytogenetic location: 10q26.2.
Variant type: single nucleotide variant.
Coding change: c.661-340C>G on transcript NM_000375.3 (MANE Select); 340 bases into the intron before coding-DNA position 661, C replaced by G.
Molecular consequence: intron variant. On other transcripts: missense variant (2), non-coding transcript variant (1).
Genome position (GRCh38, 1-based): chr10:125,789,345, G>C on the plus strand (C>G on the coding strand, the complement: UROS is on the minus strand). VCF-style: chr10-125789345-G-C. GRCh37 (hg19) VCF-style: chr10-127477914-G-C.
Other names: c.679C>G, p.Pro227Ala (NM_001324036.2); c.598C>G, p.Pro200Ala (NM_001324037.2); c.580-340C>G (NM_001324038.2); short protein forms P200A, P227A.
Identifiers: ClinVar variation 4980159 (VCV004980159.1).